The following is an entry in ClinVar:

ClinVar aggregate classification (germline): Uncertain significance. Review status: criteria provided, multiple submitters, no conflicts (2 of 4 stars). 2 submissions from 2 submitters: Uncertain significance (2). Last evaluated 2025-01-23.

Conditions:
Inborn genetic diseases. Identifiers: MeSH D030342, MedGen C0950123.

Allele frequency attached by ClinVar (database versions not stated): TOPMed below 0.00001; gnomAD 0.00001; ExAC 0.00002.

Submissions (2):

Ambry Genetics
Classification: Uncertain significance for Inborn genetic diseases. Last evaluated: 2025-01-23. Review status: criteria provided, single submitter. Criteria: Ambry Variant Classification Scheme 2023. Collection method: clinical testing. Allele origin: germline.

Labcorp Genetics (formerly Invitae), Labcorp
Classification: Uncertain significance. Last evaluated: 2023-11-27. Review status: criteria provided, single submitter. Criteria: Invitae Variant Classification Sherloc (09022015). Collection method: clinical testing. Allele origin: germline.
Comment: This sequence change replaces alanine, which is neutral and non-polar, with valine, which is neutral and non-polar, at codon 57 of the NEUROG3 protein (p.Ala57Val). This variant is present in population databases (rs755171485, gnomAD 0.009%). This variant has not been reported in the literature in individuals affected with NEUROG3-related conditions. An algorithm developed to predict the effect of missense changes on protein structure and function (PolyPhen-2) suggests that this variant¬†is likely to be tolerated. In summary, the available evidence is currently insufficient to determine the role of this variant in disease. Therefore, it has been classified as a Variant of Uncertain Significance.

NM_020999.4(NEUROG3):c.170C>T (p.Ala57Val)

Gene: NEUROG3 (neurogenin 3; minus strand). Cytogenetic location: 10q22.1.
Variant type: single nucleotide variant.
Coding change: c.170C>T on transcript NM_020999.4 (MANE Select); coding-DNA position 170, C replaced by T.
Protein change: p.Ala57Val; replaces alanine 57 with valine.
Molecular consequence: missense variant.
Genome position (GRCh38, 1-based): chr10:69,572,874, G>A on the plus strand (C>T on the coding strand, the complement: NEUROG3 is on the minus strand). VCF-style: chr10-69572874-G-A. GRCh37 (hg19) VCF-style: chr10-71332630-G-A.
Other names: c.170C>T (NM_020999.3); short protein forms A57V.
Identifiers: ClinVar variation 2993303 (VCV002993303.2), dbSNP rs755171485, ClinGen allele CA5533761.